The following is an entry in ClinVar:

NM_000395.3(CSF2RB):c.1500G>T (p.Met500Ile)

Gene: CSF2RB (colony stimulating factor 2 receptor subunit beta; plus strand). Cytogenetic location: 22q12.3.
Variant type: single nucleotide variant.
Coding change: c.1500G>T on transcript NM_000395.3 (MANE Select); coding-DNA position 1500, G replaced by T.
Protein change: p.Met500Ile; replaces methionine 500 with isoleucine.
Molecular consequence: missense variant.
Genome position (GRCh38, 1-based): chr22:36,936,584, G>T. VCF-style: chr22-36936584-G-T. GRCh37 (hg19) VCF-style: chr22-37332626-G-T.
Other names: c.1518G>T, p.Met506Ile (NM_001410827.1); short protein forms M506I, M500I.
Identifiers: ClinVar variation 4743155 (VCV004743155.1).

ClinVar aggregate classification (germline): Uncertain significance (1 of 4 stars; one submission).

Submission:

Labcorp Genetics (formerly Invitae), Labcorp
Classification: Uncertain significance. Last evaluated: 2026-01-14. Review status: criteria provided, single submitter. Criteria: Invitae Variant Classification Sherloc (09022015). Collection method: clinical testing. Allele origin: germline.
Comment: This sequence change replaces methionine, which is neutral and non-polar, with isoleucine, which is neutral and non-polar, at codon 500 of the CSF2RB protein (p.Met500Ile). This variant is not present in population databases (gnomAD no frequency). This variant has not been reported in the literature in individuals affected with CSF2RB-related conditions. Invitae Evidence Modeling of protein sequence and biophysical properties (such as structural, functional, and spatial information, amino acid conservation, physicochemical variation, residue mobility, and thermodynamic stability) indicates that this missense variant is not expected to disrupt CSF2RB protein function with a negative predictive value of 80%. In summary, the available evidence is currently insufficient to determine the role of this variant in disease. Therefore, it has been classified as a Variant of Uncertain Significance.